The following is an entry in ClinVar:

ClinVar aggregate classification (germline): Likely pathogenic (1 of 4 stars; one submission).

Conditions:
Renal cysts and diabetes syndrome (RCAD). Also called: Familial hypoplastic, glomerulocystic kidney; MATURITY-ONSET DIABETES OF THE YOUNG, TYPE 5. Identifiers: Orphanet 93111, MedGen C0431693, MONDO:0007669, OMIM 137920.

Submission:

Institute of Human Genetics, FAU Erlangen, Friedrich-Alexander-Universität Erlangen-Nürnberg
Classification: Likely pathogenic for Renal cysts and diabetes syndrome. Last evaluated: 2019-07-06. Review status: criteria provided, single submitter. Criteria: ACMG Guidelines, 2015. Collection method: literature only. Allele origin: germline. Affected: yes.
Comment: This variant and it's classification has been reported by Vasileiou et al. 2019; DOI:10.1101/576918. The variants has previously been reported in PMID:25700310; PMID:21775974; PMID:25536396 as "c.856C>G; c.856C>G" with clinical significance Pathogenic. It has been re-classified using InterVar and manual curation as Likely pathogenic based on PM1 PM2 PP3 PP5.

Literature cited by the submitters: PubMed 25700310; PubMed 21775974; PubMed 25536396; DOI 10.1101/576918.

NM_000458.4(HNF1B):c.856C>G (p.Leu286Val)

Gene: HNF1B (HNF1 homeobox B; minus strand). Cytogenetic location: 17q12.
Variant type: single nucleotide variant.
Coding change: c.856C>G on transcript NM_000458.4 (MANE Select); coding-DNA position 856, C replaced by G.
Protein change: p.Leu286Val; replaces leucine 286 with valine.
Molecular consequence: missense variant.
Genome position (GRCh38, 1-based): chr17:37,731,784, G>C on the plus strand (C>G on the coding strand, the complement: HNF1B is on the minus strand). VCF-style: chr17-37731784-G-C. GRCh37 (hg19) VCF-style: chr17-36091775-G-C.
Other names: c.778C>G, p.Leu260Val (NM_001165923.4, NM_001304286.2); short protein forms L286V, L260V.
Identifiers: ClinVar variation 635635 (VCV000635635.1), dbSNP rs2511801962, ClinGen allele CA398746968.